The following is an entry in ClinVar:

NM_025137.4(SPG11):c.5803del (p.Leu1935fs)

Gene: SPG11 (SPG11 vesicle trafficking associated, spatacsin; minus strand). Cytogenetic location: 15q21.1.
Variant type: Deletion.
Coding change: c.5803del on transcript NM_025137.4 (MANE Select); coding-DNA position 5803, one base deleted (C; older notation c.5803delC).
Protein change: p.Leu1935fs; shifts the reading frame from leucine 1935.
Molecular consequence: frameshift variant.
Genome position (GRCh38, 1-based): chr15:44,583,877, G deleted on the plus strand (C on the coding strand, the reverse complement: SPG11 is on the minus strand); the first of 2 consecutive G bases (chr15:44,583,877-44,583,878); deleting either gives the same sequence. VCF-style (leftmost placement, unchanged base first): chr15-44583876-AG-A. GRCh37 (hg19) VCF-style: chr15-44876074-AG-A.
Other names: c.5803del, p.Leu1935fs (NM_001160227.2); c.5659del, p.Leu1887fs (NM_001411132.1); short protein forms L1887fs, L1935fs.
Identifiers: ClinVar variation 4716742 (VCV004716742.1).

ClinVar aggregate classification (germline): Pathogenic (1 of 4 stars; one submission).

Conditions:
Hereditary spastic paraplegia 11. Also called: Spastic paraplegia, mental retardation and thin corpus callosum; SPASTIC PARAPLEGIA, AUTOSOMAL RECESSIVE, COMPLICATED, WITH THIN CORPUS CALLOSUM; SPASTIC PARAPLEGIA, AUTOSOMAL RECESSIVE, WITH MENTAL IMPAIRMENT AND THIN CORPUS CALLOSUM; Nakamura Osame syndrome; Autosomal recessive hereditary spastic paraplegia, mental impairment, and thin corpus callosum; Spastic Paraplegia 11. Identifiers: Orphanet 2822, MedGen C1858479, MONDO:0011445, OMIM 604360.

Submission:

Labcorp Genetics (formerly Invitae), Labcorp
Classification: Pathogenic for Hereditary spastic paraplegia 11. Last evaluated: 2025-04-29. Review status: criteria provided, single submitter. Criteria: Invitae Variant Classification Sherloc (09022015). Collection method: clinical testing. Allele origin: germline.
Comment: This sequence change creates a premature translational stop signal (p.Leu1935Tyrfs*16) in the SPG11 gene. It is expected to result in an absent or disrupted protein product. Loss-of-function variants in SPG11 are known to be pathogenic (PMID: 19105190, 20110243, 22154821, 26556829). This variant is not present in population databases (gnomAD no frequency). This variant has not been reported in the literature in individuals affected with SPG11-related conditions. For these reasons, this variant has been classified as Pathogenic.

Literature cited by the submitters: PubMed 19105190; PubMed 20110243; PubMed 22154821; PubMed 26556829.